The following is an entry in ClinVar:

NM_004380.3(CREBBP):c.475G>A (p.Val159Met)

Gene: CREBBP (CREB binding lysine acetyltransferase; minus strand). Cytogenetic location: 16p13.3.
Variant type: single nucleotide variant.
Coding change: c.475G>A on transcript NM_004380.3 (MANE Select); coding-DNA position 475, G replaced by A.
Protein change: p.Val159Met; replaces valine 159 with methionine.
Molecular consequence: missense variant.
Genome position (GRCh38, 1-based): chr16:3,850,620, C>T on the plus strand (G>A on the coding strand, the complement: CREBBP is on the minus strand). VCF-style: chr16-3850620-C-T. GRCh37 (hg19) VCF-style: chr16-3900621-C-T.
Other names: c.475G>A, p.Val159Met (NM_001079846.1); short protein forms V159M.
Identifiers: ClinVar variation 2819656 (VCV002819656.3), dbSNP rs1175854793, ClinGen allele CA394560984.

ClinVar aggregate classification (germline): Uncertain significance (1 of 4 stars; one submission).

Conditions:
Rubinstein-Taybi syndrome (RSTS). Identifiers: Orphanet 783, MedGen C0035934, MONDO:0019188.

gnomAD v4.1: 2 of 1,614,238 alleles (0.00012%); highest among the groups gnomAD compares: Non-Finnish European, 0.00017%; no homozygotes.

Submission:

Labcorp Genetics (formerly Invitae), Labcorp
Classification: Uncertain significance for Rubinstein-Taybi syndrome. Last evaluated: 2023-08-06. Review status: criteria provided, single submitter. Criteria: Invitae Variant Classification Sherloc (09022015). Collection method: clinical testing. Allele origin: germline.
Comment: This sequence change replaces valine, which is neutral and non-polar, with methionine, which is neutral and non-polar, at codon 159 of the CREBBP protein (p.Val159Met). In summary, the available evidence is currently insufficient to determine the role of this variant in disease. Therefore, it has been classified as a Variant of Uncertain Significance. Advanced modeling of protein sequence and biophysical properties (such as structural, functional, and spatial information, amino acid conservation, physicochemical variation, residue mobility, and thermodynamic stability) has been performed at Invitae for this missense variant, however the output from this modeling did not meet the statistical confidence thresholds required to predict the impact of this variant on CREBBP protein function. This variant has not been reported in the literature in individuals affected with CREBBP-related conditions. This variant is not present in population databases (gnomAD no frequency).